The following is an entry in ClinVar:

ClinVar aggregate classification (germline): Uncertain significance. Review status: criteria provided, multiple submitters, no conflicts (2 of 4 stars). 3 submissions from 3 submitters: Uncertain significance (3). Last evaluated 2025-02-03.

Allele frequency attached by ClinVar (database versions not stated): gnomAD 0.00028 and 0.00029; gnomAD exomes 0.00002 and 0.00011; 1000 Genomes Project 30x 0.00016; 1000 Genomes Project 0.00020; TOPMed 0.00030; ExAC 0.00012; ESP Exome Variant Server 0.00046.
gnomAD v4.1: 70 of 1,614,134 alleles (0.0043%); highest among the groups gnomAD compares: African/African-American, 0.088%; 1 homozygote.

Submissions (3):

Labcorp Genetics (formerly Invitae), Labcorp
Classification: Uncertain significance. Last evaluated: 2025-02-03. Review status: criteria provided, single submitter. Criteria: Invitae Variant Classification Sherloc (09022015). Collection method: clinical testing. Allele origin: germline.
Comment: This sequence change replaces glycine, which is neutral and non-polar, with aspartic acid, which is acidic and polar, at codon 471 of the ARSG protein (p.Gly471Asp). This variant is present in population databases (rs150154712, gnomAD 0.1%). This variant has not been reported in the literature in individuals affected with ARSG-related conditions. ClinVar contains an entry for this variant (Variation ID: 1002055). An algorithm developed to predict the effect of missense changes on protein structure and function (PolyPhen-2) suggests that this variant¬†is likely to be tolerated. In summary, the available evidence is currently insufficient to determine the role of this variant in disease. Therefore, it has been classified as a Variant of Uncertain Significance.

Ambry Genetics
Classification: Uncertain significance. Last evaluated: 2022-10-27. Review status: criteria provided, single submitter. Criteria: Ambry Variant Classification Scheme 2023. Collection method: clinical testing. Allele origin: germline.

Breakthrough Genomics
Classification: Uncertain significance. Review status: criteria provided, single submitter. Criteria: ACMG Guidelines, 2015. Collection method: not provided. Allele origin: germline. Inheritance: Autosomal recessive inheritance. Affected: yes.

NM_001267727.2(ARSG):c.1412G>A (p.Gly471Asp)

Genes: ARSG (arylsulfatase G; plus strand), PRKAR1A (protein kinase cAMP-dependent type I regulatory subunit alpha; plus strand). Cytogenetic location: 17q24.2.
Variant type: single nucleotide variant.
Coding change: c.1412G>A on transcript NM_001267727.2 (MANE Select); coding-DNA position 1412, G replaced by A.
Protein change: p.Gly471Asp; replaces glycine 471 with aspartic acid.
Molecular consequence: missense variant. On other transcripts: intron variant (3).
Genome position (GRCh38, 1-based): chr17:68,420,297, G>A. VCF-style: chr17-68420297-G-A. GRCh37 (hg19) VCF-style: chr17-66416438-G-A.
Other names: c.1412G>A, p.Gly471Asp (NM_001352899.2, NM_001352900.2, NM_001352901.2 and 2 more transcripts); c.1409G>A, p.Gly470Asp (NM_001352903.2, NM_001352904.2, NM_001352905.2 and 2 more transcripts); c.1303+18847G>A (NM_001352910.2); c.1255+18847G>A (NM_001352909.2); c.-7+6502G>A (NM_001278433.2); short protein forms G470D, G471D.
Identifiers: ClinVar variation 1002055 (VCV001002055.9), dbSNP rs150154712, ClinGen allele CA8728577.
Genomic context (GRCh38, chr17:68,420,297, plus strand): 5'-AGTTTCCTCTGATTTTCAACCTGGAAGACGATACCGCAGAAGCTGTGCCCCTAGAAAGAG[G>A]TGGTGCGGAGTACCAGGCTGTGCTGCCCGAGGTCAGAAAGGTTCTTGCAGACGTCCTCCA-3'
Protein context (NP_001254656.1, residues 461-481): DTAEAVPLER[Gly471Asp]GAEYQAVLPE